The following is an entry in ClinVar:

NM_003177.7(SYK):c.-41-37G>A

Gene: SYK (spleen associated tyrosine kinase; plus strand). Cytogenetic location: 9q22.2.
Variant type: single nucleotide variant.
Coding change: c.-41-37G>A on transcript NM_003177.7 (MANE Select); 37 bases into the intron before 41 bases upstream of the start codon, G replaced by A.
Molecular consequence: intron variant.
Genome position (GRCh38, 1-based): chr9:90,843,821, G>A. VCF-style: chr9-90843821-G-A. GRCh37 (hg19) VCF-style: chr9-93606103-G-A.
Other names: c.-41-37G>A (NM_001174168.3, NM_001135052.4, NM_001174167.3).
Identifiers: ClinVar variation 2688069 (VCV002688069.2), dbSNP rs7855964, ClinGen allele CA12992404.
Genomic context (GRCh38, chr9:90,843,821, plus strand): 5'-GGGTTTGTCTCCACTTTGAAAGGGTTTGAGTGGTTTTAGCAAACGTTCCCTGCCACGTGG[G>A]GTCCTCACCAAAGTTCTCTGTCTCTGTCTTGCCCAGGTGGACACCTGCGCAGGTGTGTGC-3'

ClinVar aggregate classification (germline): Benign (1 of 4 stars; one submission).

Allele frequency attached by ClinVar (database versions not stated): 1000 Genomes Project 0.26617; 1000 Genomes Project 30x 0.27795; TOPMed 0.32690.
gnomAD v4.1: 367,884 of 1,382,802 alleles (27%); highest among the groups gnomAD compares: African/African-American, 42%; 52,035 homozygotes.

Submission:

Unidad de Genómica Garrahan, Hospital de Pediatría Garrahan
Classification: Benign. Last evaluated: 2024-01-24. Review status: criteria provided, single submitter. Criteria: ACMG Guidelines, 2015. Collection method: clinical testing. Allele origin: germline. Affected: no. Observed: 58 variant alleles.
Comment: This variant is classified as Benign based on local population frequency. This variant was detected in 61% of patients studied by a panel of primary immunodeficiencies. Number of patients: 58. Only high quality variants are reported.